The following is an entry in ClinVar:

NM_015474.4(SAMHD1):c.1785A>T (p.Lys595Asn)

Genes: SAMHD1 (SAM and HD domain containing deoxynucleoside triphosphate triphosphohydrolase 1; minus strand), TLDC2 (TBC/LysM-associated domain containing 2; plus strand). Cytogenetic location: 20q11.23.
Variant type: single nucleotide variant.
Coding change: c.1785A>T on transcript NM_015474.4 (MANE Select); coding-DNA position 1785, A replaced by T.
Protein change: p.Lys595Asn; replaces lysine 595 with asparagine.
Molecular consequence: missense variant. On other transcripts: 3 prime UTR variant (3).
Genome position (GRCh38, 1-based): chr20:36,893,028, T>A on the plus strand (A>T on the coding strand, the complement: SAMHD1 is on the minus strand). VCF-style: chr20-36893028-T-A. GRCh37 (hg19) VCF-style: chr20-35521431-T-A.
Other names: c.*184T>A (NM_001304783.1, NM_080628.3); c.1680A>T, p.Lys560Asn (NM_001363729.2); c.*878A>T (NM_001363733.2); short protein forms K560N, K595N.
Identifiers: ClinVar variation 1488906 (VCV001488906.5), dbSNP rs1245985032, ClinGen allele CA408838565.

ClinVar aggregate classification (germline): Uncertain significance (1 of 4 stars; one submission).

Conditions:
Aicardi-Goutieres syndrome 5. Identifiers: Orphanet 51, MedGen C2749659, MONDO:0013059, OMIM 612952.

gnomAD v4.1: 1 of 1,614,026 alleles (0.000062%); no homozygotes.

Submission:

Labcorp Genetics (formerly Invitae), Labcorp
Classification: Uncertain significance for Aicardi-Goutieres syndrome 5. Last evaluated: 2022-07-12. Review status: criteria provided, single submitter. Criteria: Invitae Variant Classification Sherloc (09022015). Collection method: clinical testing. Allele origin: germline.
Comment: This sequence change replaces lysine, which is basic and polar, with asparagine, which is neutral and polar, at codon 595 of the SAMHD1 protein (p.Lys595Asn). This variant is not present in population databases (gnomAD no frequency). This variant has not been reported in the literature in individuals affected with SAMHD1-related conditions. ClinVar contains an entry for this variant (Variation ID: 1488906). Algorithms developed to predict the effect of missense changes on protein structure and function are either unavailable or do not agree on the potential impact of this missense change (SIFT: "Deleterious"; PolyPhen-2: "Benign"; Align-GVGD: "Class C0"). In summary, the available evidence is currently insufficient to determine the role of this variant in disease. Therefore, it has been classified as a Variant of Uncertain Significance.